The following is an entry in ClinVar:

NM_000701.8(ATP1A1):c.1652G>A (p.Arg551Gln)

Genes: ATP1A1 (ATPase Na+/K+ transporting subunit alpha 1; plus strand), ATP1A1-AS1 (ATP1A1 antisense RNA 1; minus strand). Cytogenetic location: 1p13.1.
Variant type: single nucleotide variant.
Coding change: c.1652G>A on transcript NM_000701.8 (MANE Select); coding-DNA position 1652, G replaced by A.
Protein change: p.Arg551Gln; replaces arginine 551 with glutamine.
Molecular consequence: missense variant.
Genome position (GRCh38, 1-based): chr1:116,393,715, G>A. VCF-style: chr1-116393715-G-A. GRCh37 (hg19) VCF-style: chr1-116936337-G-A.
Other names: c.1652G>A, p.Arg551Gln (NM_001160233.2); c.1559G>A, p.Arg520Gln (NM_001160234.2); short protein forms R520Q, R551Q.
Identifiers: ClinVar variation 1801071 (VCV001801071.2), dbSNP rs2525854237, ClinGen allele CA341771292.

ClinVar aggregate classification (germline): Uncertain significance (1 of 4 stars; one submission).

Submission:

GeneDx
Classification: Uncertain significance. Last evaluated: 2025-06-17. Review status: criteria provided, single submitter. Criteria: GeneDx Variant Classification Process June 2021. Collection method: clinical testing. Allele origin: germline.
Comment: Not observed at significant frequency in large population cohorts (gnomAD); In silico analysis supports that this missense variant has a deleterious effect on protein structure/function; Has not been previously published as pathogenic or benign to our knowledge